The following is an entry in ClinVar:

ClinVar aggregate classification (germline): Uncertain significance. Review status: criteria provided, multiple submitters, no conflicts (2 of 4 stars). 2 submissions from 2 submitters: Uncertain significance (2). Last evaluated 2023-08-29.

Conditions:
Imerslund-Grasbeck syndrome. Also called: PERNICIOUS ANEMIA, JUVENILE, DUE TO SELECTIVE INTESTINAL MALABSORPTION OF VITAMIN B12, WITH PROTEINURIA; Megaloblastic anemia due to inborn errors of metabolism; ENTEROCYTE COBALAMIN MALABSORPTION; ENTEROCYTE INTRINSIC FACTOR RECEPTOR, DEFECT OF; Imerslund-Gräsbeck syndrome. Identifiers: Orphanet 35858, MedGen C4551825, MONDO:0009853.
Proteinuria, chronic benign. Identifiers: MedGen C5394384, MONDO:0030042, OMIM 618884.
Imerslund-Grasbeck syndrome type 1 (IGS1). Also called: Imerslund-Gräsbeck syndrome 1; Megaloblastic anemia 1, Finnish type; MEGALOBLASTIC ANEMIA, 1. Identifiers: MedGen C4016819, MONDO:0100156, OMIM 261100.

Allele frequency attached by ClinVar (database versions not stated): 1000 Genomes Project 30x 0.00016; 1000 Genomes Project 0.00020; gnomAD 0.00001.
gnomAD v4.1: 18 of 1,613,670 alleles (0.0011%); highest among the groups gnomAD compares: African/African-American, 0.0067%; no homozygotes.

Submissions (2):

Labcorp Genetics (formerly Invitae), Labcorp
Classification: Uncertain significance for Imerslund-Grasbeck syndrome. Last evaluated: 2023-08-29. Review status: criteria provided, single submitter. Criteria: Invitae Variant Classification Sherloc (09022015). Collection method: clinical testing. Allele origin: germline.
Comment: In summary, the available evidence is currently insufficient to determine the role of this variant in disease. Therefore, it has been classified as a Variant of Uncertain Significance. Advanced modeling of protein sequence and biophysical properties (such as structural, functional, and spatial information, amino acid conservation, physicochemical variation, residue mobility, and thermodynamic stability) performed at Invitae indicates that this missense variant is expected to disrupt CUBN protein function. ClinVar contains an entry for this variant (Variation ID: 1357526). This variant has not been reported in the literature in individuals affected with CUBN-related conditions. This variant is present in population databases (rs563035840, gnomAD 0.007%). This sequence change replaces tryptophan, which is neutral and slightly polar, with cysteine, which is neutral and slightly polar, at codon 424 of the CUBN protein (p.Trp424Cys).

Fulgent Genetics
Classification: Uncertain significance for Imerslund-Grasbeck syndrome type 1; Proteinuria, chronic benign. Last evaluated: 2022-04-17. Review status: criteria provided, single submitter. Criteria: ACMG Guidelines, 2015. Collection method: clinical testing. Allele origin: unknown.

NM_001081.4(CUBN):c.1272G>T (p.Trp424Cys)

Genes: CUBN (cubilin; minus strand), LOC129390143 (MPRA-validated peak884 silencer; plus strand). Cytogenetic location: 10p13.
Variant type: single nucleotide variant.
Coding change: c.1272G>T on transcript NM_001081.4 (MANE Select); coding-DNA position 1272, G replaced by T.
Protein change: p.Trp424Cys; replaces tryptophan 424 with cysteine.
Molecular consequence: missense variant.
Genome position (GRCh38, 1-based): chr10:17,104,564, C>A on the plus strand (G>T on the coding strand, the complement: CUBN is on the minus strand). VCF-style: chr10-17104564-C-A. GRCh37 (hg19) VCF-style: chr10-17146563-C-A.
Other names: short protein forms W424C.
Identifiers: ClinVar variation 1357526 (VCV001357526.7), dbSNP rs563035840, ClinGen allele CA5425323.